The following is an entry in ClinVar:

NM_001042492.3(NF1):c.2360C>A (p.Ala787Glu)

Gene: NF1 (neurofibromin 1; plus strand). Cytogenetic location: 17q11.2.
Variant type: single nucleotide variant.
Coding change: c.2360C>A on transcript NM_001042492.3 (MANE Select); coding-DNA position 2360, C replaced by A.
Protein change: p.Ala787Glu; replaces alanine 787 with glutamic acid.
Molecular consequence: missense variant.
Genome position (GRCh38, 1-based): chr17:31,227,557, C>A. VCF-style: chr17-31227557-C-A. GRCh37 (hg19) VCF-style: chr17-29554575-C-A.
Other names: c.2360C>A, p.Ala787Glu (NM_000267.4); short protein forms A787E.
Identifiers: ClinVar variation 2853078 (VCV002853078.4), dbSNP rs2508171080, ClinGen allele CA398983141.

ClinVar aggregate classification (germline): Uncertain significance. Review status: criteria provided, multiple submitters, no conflicts (2 of 4 stars). 2 submissions from 2 submitters: Uncertain significance (2). Last evaluated 2026-04-24.

Conditions:
Cardiovascular phenotype. Identifiers: MedGen CN230736.
Hereditary cancer-predisposing syndrome. Also called: Hereditary neoplastic syndrome; Neoplastic Syndromes, Hereditary; Tumor predisposition; Hereditary Cancer Syndrome. Identifiers: Orphanet 140162, MedGen C0027672, MeSH D009386, MONDO:0015356.
Neurofibromatosis, type 1 (NF1). Also called: Peripheral type neurofibromatosis; NEUROFIBROMATOSIS, TYPE I, SOMATIC; Neurofibromatosis, type I; VON RECKLINGHAUSEN DISEASE. Identifiers: Orphanet 636, MedGen C0027831, MONDO:0018975, OMIM 162200. Disease mechanism: loss of function.

Submissions (2):

Ambry Genetics
Classification: Uncertain significance for Cardiovascular phenotype; Hereditary cancer-predisposing syndrome. Last evaluated: 2026-04-24. Review status: criteria provided, single submitter. Criteria: Ambry Variant Classification Scheme 2023. Collection method: clinical testing. Allele origin: germline.
Comment: The p.A787E variant (also known as c.2360C>A), located in coding exon 20 of the NF1 gene, results from a C to A substitution at nucleotide position 2360. The alanine at codon 787 is replaced by glutamic acid, an amino acid with dissimilar properties. This amino acid position is highly conserved in available vertebrate species. In addition, this alteration is predicted to be deleterious by in silico analysis. Based on the available evidence, the clinical significance of this variant remains unclear.

Labcorp Genetics (formerly Invitae), Labcorp
Classification: Uncertain significance for Neurofibromatosis, type 1. Last evaluated: 2023-04-07. Review status: criteria provided, single submitter. Criteria: Invitae Variant Classification Sherloc (09022015). Collection method: clinical testing. Allele origin: germline.
Comment: This sequence change replaces alanine, which is neutral and non-polar, with glutamic acid, which is acidic and polar, at codon 787 of the NF1 protein (p.Ala787Glu). This variant is not present in population databases (gnomAD no frequency). This variant has not been reported in the literature in individuals affected with NF1-related conditions. Advanced modeling of protein sequence and biophysical properties (such as structural, functional, and spatial information, amino acid conservation, physicochemical variation, residue mobility, and thermodynamic stability) has been performed at Invitae for this missense variant, however the output from this modeling did not meet the statistical confidence thresholds required to predict the impact of this variant on NF1 protein function. In summary, the available evidence is currently insufficient to determine the role of this variant in disease. Therefore, it has been classified as a Variant of Uncertain Significance.